The following is an entry in ClinVar:

ClinVar aggregate classification (germline): Uncertain significance. Review status: criteria provided, multiple submitters, no conflicts (2 of 4 stars). 7 submissions from 7 submitters: Uncertain significance (4). 3 of the submissions do not count toward it. Last evaluated 2026-10-06.

Conditions:
FAT4-related disorder. Also called: FAT4-related condition.
Hennekam lymphangiectasia-lymphedema syndrome 2 (HKLLS2). Identifiers: Orphanet 2136, MedGen C4014939, MONDO:0014454, OMIM 616006.
Van Maldergem syndrome 2 (VMLDS2). Identifiers: Orphanet 314679, MedGen C3809875, MONDO:0014242, OMIM 615546.

Allele frequency attached by ClinVar (database versions not stated): ESP Exome Variant Server 0.00015; gnomAD exomes 0.00017 and 0.00070; ExAC 0.00019; gnomAD 0.00025; TOPMed 0.00032; 1000 Genomes Project 30x 0.00016.
gnomAD v4.1: 1,031 of 1,613,816 alleles (0.064%); highest among the groups gnomAD compares: Non-Finnish European, 0.085%; no homozygotes.

Submissions (7):

GeneDx
Classification: Uncertain significance. Last evaluated: 2026-10-06. Review status: criteria provided, single submitter. Criteria: GeneDx Variant Classification Process June 2021. Collection method: clinical testing. Allele origin: germline.
Comment: In silico analysis supports that this missense variant has a deleterious effect on protein structure/function; Has not been previously published as pathogenic or benign to our knowledge

Labcorp Genetics (formerly Invitae), Labcorp
Classification: Uncertain significance. Last evaluated: 2025-02-03. Review status: criteria provided, single submitter. Criteria: Invitae Variant Classification Sherloc (09022015). Collection method: clinical testing. Allele origin: germline.
Comment: This sequence change replaces serine, which is neutral and polar, with leucine, which is neutral and non-polar, at codon 2691 of the FAT4 protein (p.Ser2691Leu). This variant is present in population databases (rs148918820, gnomAD 0.04%). This variant has not been reported in the literature in individuals affected with FAT4-related conditions. ClinVar contains an entry for this variant (Variation ID: 429367). Invitae Evidence Modeling of protein sequence and biophysical properties (such as structural, functional, and spatial information, amino acid conservation, physicochemical variation, residue mobility, and thermodynamic stability) indicates that this missense variant is not expected to disrupt FAT4 protein function with a negative predictive value of 80%. In summary, the available evidence is currently insufficient to determine the role of this variant in disease. Therefore, it has been classified as a Variant of Uncertain Significance.

Fulgent Genetics
Classification: Uncertain significance for Van Maldergem syndrome 2; Hennekam lymphangiectasia-lymphedema syndrome 2. Last evaluated: 2024-02-08. Review status: criteria provided, single submitter. Criteria: ACMG Guidelines, 2015. Collection method: clinical testing. Allele origin: germline.

Genetic Services Laboratory, University of Chicago
Classification: Uncertain significance. Last evaluated: 2016-12-09. Review status: criteria provided, single submitter. Criteria: ACMG Guidelines, 2015. Collection method: clinical testing. Allele origin: germline. Affected: no.

PreventionGenetics, part of Exact Sciences
Classification: Uncertain significance for FAT4-related condition. Last evaluated: 2024-05-15. Review status: no assertion criteria provided. Collection method: clinical testing. Allele origin: germline. Not counted in ClinVar's aggregate classification.
Comment: The FAT4 c.8078C>T variant is predicted to result in the amino acid substitution p.Ser2693Leu. To our knowledge, this variant has not been reported in the literature. This variant is reported in 0.035% of alleles in individuals of European (Non-Finnish) descent in gnomAD. At this time, the clinical significance of this variant is uncertain due to the absence of conclusive functional and genetic evidence.

Clinical Genetics DNA and cytogenetics Diagnostics Lab, Erasmus MC, Erasmus Medical Center
Classification: Uncertain significance. Review status: no assertion criteria provided. Collection method: clinical testing. Allele origin: germline. Affected: yes. Study: VKGL Data-share Consensus. Not counted in ClinVar's aggregate classification.

Joint Genome Diagnostic Labs from Nijmegen and Maastricht, Radboudumc and MUMC+
Classification: Uncertain significance. Review status: no assertion criteria provided. Collection method: clinical testing. Allele origin: germline. Affected: yes. Study: VKGL Data-share Consensus. Not counted in ClinVar's aggregate classification.

NM_001291303.3(FAT4):c.8078C>T (p.Ser2693Leu)

Gene: FAT4 (FAT atypical cadherin 4; plus strand). Cytogenetic location: 4q28.1.
Variant type: single nucleotide variant.
Coding change: c.8078C>T on transcript NM_001291303.3 (MANE Select); coding-DNA position 8078, C replaced by T.
Protein change: p.Ser2693Leu; replaces serine 2693 with leucine.
Molecular consequence: missense variant.
Genome position (GRCh38, 1-based): chr4:125,449,088, C>T. VCF-style: chr4-125449088-C-T. GRCh37 (hg19) VCF-style: chr4-126370243-C-T.
Other names: c.8078C>T, p.Ser2693Leu (NM_001291285.3); c.8072C>T, p.Ser2691Leu (NM_024582.6); c.8072C>T (NM_024582.5); c.8078C>T (NM_001291303.1); short protein forms S2691L, S2693L.
Identifiers: ClinVar variation 429367 (VCV000429367.16), dbSNP rs148918820, ClinGen allele CA3073306.